The following is an entry in ClinVar:

ClinVar aggregate classification (germline): Uncertain significance (1 of 4 stars; one submission).

Submission:

Labcorp Genetics (formerly Invitae), Labcorp
Classification: Uncertain significance. Last evaluated: 2023-11-13. Review status: criteria provided, single submitter. Criteria: Invitae Variant Classification Sherloc (09022015). Collection method: clinical testing. Allele origin: germline.
Comment: This sequence change replaces threonine, which is neutral and polar, with lysine, which is basic and polar, at codon 233 of the PDE6B protein (p.Thr233Lys). This variant is not present in population databases (gnomAD no frequency). This variant has not been reported in the literature in individuals affected with PDE6B-related conditions. Advanced modeling of protein sequence and biophysical properties (such as structural, functional, and spatial information, amino acid conservation, physicochemical variation, residue mobility, and thermodynamic stability) performed at Invitae indicates that this missense variant is not expected to disrupt PDE6B protein function with a negative predictive value of 95%. In summary, the available evidence is currently insufficient to determine the role of this variant in disease. Therefore, it has been classified as a Variant of Uncertain Significance.

NM_000283.4(PDE6B):c.698C>A (p.Thr233Lys)

Gene: PDE6B (phosphodiesterase 6B; plus strand). Cytogenetic location: 4p16.3.
Variant type: single nucleotide variant.
Coding change: c.698C>A on transcript NM_000283.4 (MANE Select); coding-DNA position 698, C replaced by A.
Protein change: p.Thr233Lys; replaces threonine 233 with lysine.
Molecular consequence: missense variant.
Genome position (GRCh38, 1-based): chr4:635,956, C>A. VCF-style: chr4-635956-C-A. GRCh37 (hg19) VCF-style: chr4-629745-C-A.
Other names: c.698C>A, p.Thr233Lys (NM_001145291.2); short protein forms T233K.
Identifiers: ClinVar variation 2695630 (VCV002695630.3), dbSNP rs752852029, ClinGen allele CA355909099.